The following is an entry in ClinVar:

NM_014516.4(CNOT3):c.1473_1474del (p.Gly493fs)

Gene: CNOT3 (CCR4-NOT transcription complex subunit 3; plus strand). Cytogenetic location: 19q13.42.
Variant type: Deletion.
Coding change: c.1473_1474del on transcript NM_014516.4 (MANE Select); coding-DNA positions 1473 to 1474, 2 bases deleted (AG; older notation c.1473_1474delAG).
Protein change: p.Gly493fs; shifts the reading frame from glycine 493.
Molecular consequence: frameshift variant.
Genome position (GRCh38, 1-based): chr19:54,149,626-54,149,627, AG deleted. VCF-style (leftmost placement, unchanged base first): chr19-54149625-CAG-C. GRCh37 (hg19) VCF-style: chr19-54653360-CAG-C.
Other names: c.1473_1474delAG (NM_014516.3); short protein forms G493fs.
Identifiers: ClinVar variation 694670 (VCV000694670.5), dbSNP rs1600471396, ClinGen allele CA658767940.

ClinVar aggregate classification (germline): Pathogenic. Review status: criteria provided, single submitter (1 of 4 stars). 2 submissions from 2 submitters: Pathogenic (1). 1 of the submissions does not count toward it. Last evaluated 2023-06-05.

Conditions:
Intellectual developmental disorder with speech delay, autism, and dysmorphic facies. Identifiers: MedGen C5231456, MONDO:0032864, OMIM 618672.

Submissions (2):

GeneDx
Classification: Pathogenic. Last evaluated: 2023-06-05. Review status: criteria provided, single submitter. Criteria: GeneDx Variant Classification Process June 2021. Collection method: clinical testing. Allele origin: germline. Affected: yes.
Comment: Frameshift variant predicted to result in protein truncation or nonsense mediated decay in a gene for which loss-of-function is a known mechanism of disease; Not observed in large population cohorts (gnomAD); This variant is associated with the following publications: (PMID: 28263302)

OMIM
Classification: Pathogenic for INTELLECTUAL DEVELOPMENTAL DISORDER WITH SPEECH DELAY, AUTISM, AND DYSMORPHIC FACIES. Last evaluated: 2019-11-27. Review status: no assertion criteria provided. Collection method: literature only. Allele origin: germline. Not counted in ClinVar's aggregate classification.

Literature cited by the submitters: PubMed 31201375 (cited by OMIM).